The following is an entry in ClinVar:

ClinVar aggregate classification (germline): Uncertain significance (1 of 4 stars; one submission).

Conditions:
Fanconi anemia (FA). Also called: Fanconi's anemia. Identifiers: Orphanet 84, MedGen C0015625, MeSH D005199, MONDO:0019391.

gnomAD v4.1: 3 of 1,613,818 alleles (0.00019%); highest among the groups gnomAD compares: Non-Finnish European, 0.00025%; no homozygotes.

Submission:

Labcorp Genetics (formerly Invitae), Labcorp
Classification: Uncertain significance for Fanconi anemia. Last evaluated: 2022-07-06. Review status: criteria provided, single submitter. Criteria: Invitae Variant Classification Sherloc (09022015). Collection method: clinical testing. Allele origin: germline.
Comment: This variant has not been reported in the literature in individuals affected with FANCA-related conditions. This variant is present in population databases (no rsID available, gnomAD 0.0009%). This sequence change replaces valine, which is neutral and non-polar, with leucine, which is neutral and non-polar, at codon 568 of the FANCA protein (p.Val568Leu). ClinVar contains an entry for this variant (Variation ID: 839738). In summary, the available evidence is currently insufficient to determine the role of this variant in disease. Therefore, it has been classified as a Variant of Uncertain Significance. Algorithms developed to predict the effect of missense changes on protein structure and function are either unavailable or do not agree on the potential impact of this missense change (SIFT: "Deleterious"; PolyPhen-2: "Benign"; Align-GVGD: "Class C0").

NM_000135.4(FANCA):c.1702G>C (p.Val568Leu)

Gene: FANCA (FA complementation group A; minus strand). Cytogenetic location: 16q24.3.
Variant type: single nucleotide variant.
Coding change: c.1702G>C on transcript NM_000135.4 (MANE Select); coding-DNA position 1702, G replaced by C.
Protein change: p.Val568Leu; replaces valine 568 with leucine.
Molecular consequence: missense variant.
Genome position (GRCh38, 1-based): chr16:89,779,882, C>G on the plus strand (G>C on the coding strand, the complement: FANCA is on the minus strand). VCF-style: chr16-89779882-C-G. GRCh37 (hg19) VCF-style: chr16-89846290-C-G.
Other names: c.1702G>C, p.Val568Leu (NM_001286167.3); short protein forms V568L.
Identifiers: ClinVar variation 839738 (VCV000839738.9), dbSNP rs778754162, ClinGen allele CA397455896.